The following is an entry in ClinVar:

ClinVar aggregate classification (germline): Likely benign. Review status: criteria provided, multiple submitters, no conflicts (2 of 4 stars). 4 submissions from 4 submitters: Likely benign (4). Last evaluated 2025-11-09.

Conditions:
Hereditary cancer-predisposing syndrome. Also called: Hereditary neoplastic syndrome; Hereditary Cancer Syndrome; Tumor predisposition; Neoplastic Syndromes, Hereditary. Identifiers: Orphanet 140162, MedGen C0027672, MeSH D009386, MONDO:0015356.
Hereditary nonpolyposis colorectal neoplasms. Identifiers: MedGen C0009405, MeSH D003123.
Lynch syndrome 5 (LYNCH5). Also called: Hereditary non-polyposis colorectal cancer, type 5; Colorectal cancer, hereditary nonpolyposis, type 5. Identifiers: Orphanet 144, MedGen C1833477, MONDO:0013710, OMIM 614350. Disease mechanism: loss of function.

Allele frequency attached by ClinVar (database versions not stated): gnomAD exomes below 0.00001.
gnomAD v4.1: 1 of 1,611,648 alleles (0.000062%); no homozygotes.

Submissions (4):

Labcorp Genetics (formerly Invitae), Labcorp
Classification: Likely benign for Hereditary nonpolyposis colorectal neoplasms. Last evaluated: 2025-11-09. Review status: criteria provided, single submitter. Criteria: Invitae Variant Classification Sherloc (09022015). Collection method: clinical testing. Allele origin: germline.

Ambry Genetics
Classification: Likely benign for Hereditary cancer-predisposing syndrome. Last evaluated: 2025-09-24. Review status: criteria provided, single submitter. Criteria: Ambry Variant Classification Scheme 2023. Collection method: clinical testing. Allele origin: germline.

Color Diagnostics, LLC DBA Color Health
Classification: Likely benign for Hereditary cancer-predisposing syndrome. Last evaluated: 2025-06-30. Review status: criteria provided, single submitter. Criteria: ACMG Guidelines, 2015. Collection method: clinical testing. Allele origin: germline.

Myriad Genetics, Inc.
Classification: Likely benign for Lynch syndrome 5. Last evaluated: 2025-01-07. Review status: criteria provided, single submitter. Criteria: Myriad Autosomal Dominant, Autosomal Recessive and X-Linked Classification Criteria (2023). Collection method: clinical testing. Allele origin: unknown.
Comment: This variant is considered likely benign. This variant is intronic and is not expected to impact mRNA splicing.

NM_000179.3(MSH6):c.3439-4A>G

Gene: MSH6 (mutS homolog 6; plus strand). Cytogenetic location: 2p16.3.
Variant type: single nucleotide variant.
Coding change: c.3439-4A>G on transcript NM_000179.3 (MANE Select); 4 bases into the intron before coding-DNA position 3439, A replaced by G.
Molecular consequence: intron variant.
Genome position (GRCh38, 1-based): chr2:47,804,906, A>G. VCF-style: chr2-47804906-A-G. GRCh37 (hg19) VCF-style: chr2-48032045-A-G.
Other names: c.2533-4A>G (NM_001281493.2, NM_001281494.2); c.3049-4A>G (NM_001281492.2); c.3439-4A>G (NM_000179.2).
Identifiers: ClinVar variation 1154200 (VCV001154200.11), dbSNP rs1165718315, ClinGen allele CA532705767.
Genomic context (GRCh38, chr2:47,804,906, plus strand): 5'-AAGACAAAAGTTTATGAAACTGTTACTACCAGTCATAAAAGACCTTTTCCTCCCTCATTC[A>G]CAGGCTGGCTTATTAGCTGTAATGGCCCAGATGGGTTGTTACGTCCCTGCTGAAGTGTGC-3'